The following is an entry in ClinVar:

ClinVar aggregate classification (germline): Uncertain significance (1 of 4 stars; one submission).

Conditions:
Duchenne muscular dystrophy (DMD). Also called: Duchenne Muscular Dystrophy (DMD); MUSCULAR DYSTROPHY, PSEUDOHYPERTROPHIC PROGRESSIVE, DUCHENNE TYPE. Identifiers: Orphanet 98896, MedGen C0013264, MONDO:0010679, OMIM 310200.

Submission:

Labcorp Genetics (formerly Invitae), Labcorp
Classification: Uncertain significance for Duchenne muscular dystrophy. Last evaluated: 2022-09-01. Review status: criteria provided, single submitter. Criteria: Invitae Variant Classification Sherloc (09022015). Collection method: clinical testing. Allele origin: germline.
Comment: This sequence change replaces isoleucine, which is neutral and non-polar, with leucine, which is neutral and non-polar, at codon 1115 of the DMD protein (p.Ile1115Leu). In summary, the available evidence is currently insufficient to determine the role of this variant in disease. Therefore, it has been classified as a Variant of Uncertain Significance. Algorithms developed to predict the effect of missense changes on protein structure and function output the following: SIFT: "Tolerated"; PolyPhen-2: "Benign"; Align-GVGD: "Class C0". The leucine amino acid residue is found in multiple mammalian species, which suggests that this missense change does not adversely affect protein function. ClinVar contains an entry for this variant (Variation ID: 1464618). This variant has not been reported in the literature in individuals affected with DMD-related conditions. This variant is not present in population databases (gnomAD no frequency).

NM_004006.3(DMD):c.3343A>C (p.Ile1115Leu)

Gene: DMD (dystrophin; minus strand). Cytogenetic location: Xp21.1.
Variant type: single nucleotide variant.
Coding change: c.3343A>C on transcript NM_004006.3 (MANE Select); coding-DNA position 3343, A replaced by C.
Protein change: p.Ile1115Leu; replaces isoleucine 1115 with leucine.
Molecular consequence: missense variant.
Genome position (GRCh38, 1-based): chrX:32,463,528, T>G on the plus strand (A>C on the coding strand, the complement: DMD is on the minus strand). VCF-style: chrX-32463528-T-G. GRCh37 (hg19) VCF-style: chrX-32481645-T-G.
Other names: c.3319A>C, p.Ile1107Leu (NM_000109.4); c.3331A>C, p.Ile1111Leu (NM_004009.3); c.2974A>C, p.Ile992Leu (NM_004010.3); short protein forms I992L, I1107L, I1111L, I1115L.
Identifiers: ClinVar variation 1464618 (VCV001464618.6), dbSNP rs2098390848, ClinGen allele CA412664488.
Genomic context (GRCh38, chrX:32,463,528, plus strand): 5'-TAAGTTCTTTGAGTTCTGTCTCAAGTCTCGAAGCAAACTCTGGCTCTGCTTCATTCTTTA[T>G]CTTCTGCCCACCTTCATTGACACTGTTTAGACTGGGCTGAATTGTCTGAATATCACTGAC-3'
Protein context (NP_003997.2, residues 1105-1125): LNSVNEGGQK[Ile1115Leu]KNEAEPEFAS